The following is an entry in ClinVar:

NM_000133.4(F9):c.1205G>A (p.Gly402Glu)

Gene: F9 (coagulation factor IX; plus strand). Cytogenetic location: Xq27.1.
Variant type: single nucleotide variant.
Coding change: c.1205G>A on transcript NM_000133.4 (MANE Select); coding-DNA position 1205, G replaced by A.
Protein change: p.Gly402Glu; replaces glycine 402 with glutamic acid.
Molecular consequence: missense variant.
Genome position (GRCh38, 1-based): chrX:139,561,890, G>A. VCF-style: chrX-139561890-G-A. GRCh37 (hg19) VCF-style: chrX-138644049-G-A.
Other names: c.1091G>A, p.Gly364Glu (NM_001313913.2); short protein forms G402E, G364E.
Identifiers: ClinVar variation 5004619 (VCV005004619.1).

ClinVar aggregate classification (germline): Likely pathogenic (1 of 4 stars; one submission).

Conditions:
Hereditary factor IX deficiency disease (HEMB). Also called: Christmas Disease; Hemophilia B; F9 DEFICIENCY; FACTOR IX DEFICIENCY; PLASMA THROMBOPLASTIN COMPONENT DEFICIENCY. Identifiers: Orphanet 98879, MedGen C0008533, MeSH D002836, MONDO:0010604, OMIM 306900.

Submission:

Myriad Genetics, Inc.
Classification: Likely pathogenic for Hereditary factor IX deficiency disease. Last evaluated: 2026-04-23. Review status: criteria provided, single submitter. Criteria: Myriad Autosomal Dominant, Autosomal Recessive and X-Linked Classification Criteria (2023). Collection method: clinical testing. Allele origin: unknown.
Comment: NM_000133.3(F9):c.1205G>A(G402E) is a missense variant classified as likely pathogenic in the context of hemophilia B. G402E has been observed in cases with relevant disease (PMID: 18624698, 24219067). Relevant functional assessments of this variant are not available in the literature. G402E has not been observed in referenced population frequency databases. In summary, NM_000133.3(F9):c.1205G>A(G402E) is a missense variant that has been observed more frequently in cases with the relevant disease than in healthy populations. Please note: this variant was assessed in the context of healthy population screening.

Literature cited by the submitters: PubMed 18624698; PubMed 24219067.